The following is an entry in ClinVar:

NM_001015878.2(AURKC):c.104+5G>T

Gene: AURKC (aurora kinase C; plus strand). Cytogenetic location: 19q13.43.
Variant type: single nucleotide variant.
Coding change: c.104+5G>T on transcript NM_001015878.2 (MANE Select); 5 bases into the intron after coding-DNA position 104, G replaced by T.
Molecular consequence: intron variant.
Genome position (GRCh38, 1-based): chr19:57,231,792, G>T. VCF-style: chr19-57231792-G-T. GRCh37 (hg19) VCF-style: chr19-57743160-G-T.
Other names: c.2+5G>T (NM_003160.3); c.47+5G>T (NM_001015879.2).
Identifiers: ClinVar variation 4818867 (VCV004818867.1).

ClinVar aggregate classification (germline): Uncertain significance (1 of 4 stars; one submission).

Conditions:
Infertility associated with multi-tailed spermatozoa and excessive DNA (SPGF5). Also called: Male Infertility with Large-Headed, Multiflagellar, Polyploid Spermatozoa; spermatogenic failure 5. Identifiers: Orphanet 137893, MedGen C0403812, MONDO:0009461, OMIM 243060.

Submission:

MVZ Medizinische Genetik Mainz
Classification: Uncertain significance for Infertility associated with multi-tailed spermatozoa and excessive DNA. Last evaluated: 2026-03-09. Review status: criteria provided, single submitter. Criteria: UK Practice Guidelines For Variant Classification V4 01 2020. Collection method: clinical testing. Allele origin: germline. Inheritance: Autosomal recessive inheritance. Affected: yes. Observed: 1 variant allele.
Comment: ACMG Criteria: PS3_SUP,PM2_SUP,PP3,PP4_MOD